The following is an entry in ClinVar:

NM_004881.5(TP53I3):c.441T>C (p.His147=)

Genes: FAM228B (family with sequence similarity 228 member B; plus strand), TP53I3 (tumor protein p53 inducible protein 3; minus strand). Cytogenetic location: 2p23.3.
Variant type: single nucleotide variant.
Coding change: c.441T>C on transcript NM_004881.5 (MANE Select); coding-DNA position 441, T replaced by C.
Protein change: p.His147=; no amino-acid change (histidine 147 retained).
Molecular consequence: synonymous variant. On other transcripts: intron variant (1).
Genome position (GRCh38, 1-based): chr2:24,080,997, A>G on the plus strand (T>C on the coding strand, the complement: TP53I3 is on the minus strand). VCF-style: chr2-24080997-A-G. GRCh37 (hg19) VCF-style: chr2-24303867-A-G.
Other names: c.441T>C, p.His147= (NM_001206802.2, NM_147184.4); c.-210+42A>G (NM_001291328.2).
Identifiers: ClinVar variation 3058595 (VCV003058595.2), dbSNP rs1435911584, ClinGen allele CA425350183.

ClinVar aggregate classification (germline): Likely benign (0 of 4 stars; one submission).

Conditions:
TP53I3-related disorder. Also called: TP53I3-related condition.

Allele frequency attached by ClinVar (database versions not stated): TOPMed 0.00001; gnomAD exomes 0.00002.
gnomAD v4.1: 10 of 1,614,222 alleles (0.00062%); highest among the groups gnomAD compares: Admixed American, 0.013%; no homozygotes.

Submission:

PreventionGenetics, part of Exact Sciences
Classification: Likely benign for TP53I3-related condition. Last evaluated: 2022-06-21. Review status: no assertion criteria provided. Collection method: clinical testing. Allele origin: germline.
Comment: This variant is classified as likely benign based on ACMG/AMP sequence variant interpretation guidelines (Richards et al. 2015 PMID: 25741868, with internal and published modifications).